The following is an entry in ClinVar:

ClinVar aggregate classification (germline): Benign. Review status: criteria provided, multiple submitters, no conflicts (2 of 4 stars). 2 submissions from 2 submitters: Benign (2). Last evaluated 2018-06-14.

Allele frequency attached by ClinVar (database versions not stated): 1000 Genomes Project 30x 0.55106; 1000 Genomes Project 0.55192; gnomAD 0.59425 and 0.59886; TOPMed 0.59437.
gnomAD v4.1: 894,665 of 1,519,350 alleles (59%); highest among the groups gnomAD compares: Admixed American, 69%; 265,547 homozygotes.

Submissions (2):

GeneDx
Classification: Benign. Last evaluated: 2018-06-14. Review status: criteria provided, single submitter. Criteria: GeneDx Variant Classification (06012015). Collection method: clinical testing. Allele origin: germline. Affected: yes.
Comment: This variant is considered likely benign or benign based on one or more of the following criteria: it is a conservative change, it occurs at a poorly conserved position in the protein, it is predicted to be benign by multiple in silico algorithms, and/or has population frequency not consistent with disease.

Breakthrough Genomics
Classification: Benign. Review status: criteria provided, single submitter. Criteria: ACMG Guidelines, 2015. Collection method: not provided. Allele origin: germline. Inheritance: Autosomal recessive inheritance. Affected: yes.

NM_001849.4(COL6A2):c.2422+93T>C

Gene: COL6A2 (collagen type VI alpha 2 chain; plus strand). Cytogenetic location: 21q22.3.
Variant type: single nucleotide variant.
Coding change: c.2422+93T>C on transcript NM_001849.4 (MANE Select); 93 bases into the intron after coding-DNA position 2422, T replaced by C.
Molecular consequence: intron variant.
Genome position (GRCh38, 1-based): chr21:46,126,330, T>C. VCF-style: chr21-46126330-T-C. GRCh37 (hg19) VCF-style: chr21-47546244-T-C.
Other names: c.2422+93T>C (NM_058175.3, NM_058174.3).
Identifiers: ClinVar variation 679226 (VCV000679226.2), dbSNP rs13050660, ClinGen allele CA14875505.